The following is an entry in ClinVar:

NM_000642.3(AGL):c.1996_1999delinsT (p.His666_Gln667delinsTer)

Gene: AGL (amylo-alpha-1,6-glucosidase and 4-alpha-glucanotransferase; plus strand). Cytogenetic location: 1p21.2.
Variant type: Indel.
Coding change: c.1996_1999delinsT on transcript NM_000642.3 (MANE Select); coding-DNA positions 1996 to 1999, CATC replaced by T.
Protein change: p.His666_Gln667delinsTer.
Molecular consequence: nonsense.
Genome position (GRCh38, 1-based): chr1:99,881,172-99,881,175, CATC replaced by T. VCF-style: chr1-99881172-CATC-T. GRCh37 (hg19) VCF-style: chr1-100346728-CATC-T.
Other names: c.1996_1999delCATCinsT (NM_000642.2); c.1996_1999delCATCinsT, p.His666_Tyr1001delinsTer (NM_000028.3, NM_000643.3, NM_000644.3 and 1 more transcripts); c.1948_1951delCATCinsT, p.His650_Tyr985delinsTer (NM_000646.3); c.1996_1999delCATCinsT, p.His666_Asp1001delinsTer (NM_001425326.1); c.1795_1798delCATCinsT, p.His599_Tyr934delinsTer (NM_001425327.1); c.1792_1795delCATCinsT, p.His598_Tyr933delinsTer (NM_001425328.1); c.1792_1795delCATCinsT, p.His598_Gln933delinsTer (NM_001425329.1); c.1618_1621delCATCinsT, p.His540_Tyr875delinsTer (NM_001425332.1); and 1 more.
Identifiers: ClinVar variation 280882 (VCV000280882.3), dbSNP rs886042008, ClinGen allele CA10602799.

ClinVar aggregate classification (germline): Pathogenic/Likely pathogenic. Review status: criteria provided, multiple submitters, no conflicts (2 of 4 stars). 2 submissions from 2 submitters: Pathogenic (1); Likely pathogenic (1). Last evaluated 2024-07-30.

Conditions:
Glycogen storage disease type III (GSD3). Also called: Cori disease; FORBES DISEASE. Identifiers: Orphanet 366, MedGen C0017922, MONDO:0009291, OMIM 232400.

Submissions (2):

Natera, Inc.
Classification: Likely pathogenic for Glycogen storage disease type III. Last evaluated: 2024-07-30. Review status: criteria provided, single submitter. Criteria: Natera Variant Classification Schema (03/2026). Collection method: clinical testing. Allele origin: germline.
Comment: The c.1996_1999delinsT variant in AGL is a deletion-insertion (delins) variant predicted to replace one or more nucleotides with a different sequence. This variant is expected to result in nonsense mediated decay, truncation, or a dysfunctional protein product. This variant is rare in the general population with a frequency below the threshold expected for the associated phenotype(s). Given the available evidence, this variant is classified as Likely Pathogenic.

GeneDx
Classification: Pathogenic. Last evaluated: 2016-09-14. Review status: criteria provided, single submitter. Criteria: GeneDx Variant Classification (06012015). Collection method: clinical testing. Allele origin: germline. Affected: yes.
Comment: The c.1996_1999delCATCinsT pathogenic variant in the AGL gene has not been reported previously as a pathogenic variant nor as a benign variant, to our knowledge. The c.1996_1999delCATCinsT causes a frameshift, changing codon Histidine 666 to a premature Stop codon, denoted p.His666Ter. This variant is predicted to cause loss of normal protein function either through protein truncation or nonsense-mediated mRNA decay. As an alternate mechanism, this variant is also predicted to destroy the splice donor site in intron 15. The c.1996_1999delCATCinsT variant was not observed in approximately 6,500 individuals of European and African American ancestry in the NHLBI Exome Sequencing Project, indicating it is not a common benign variant in these populations. We interpret c.1996_1999delCATCinsT as a pathogenic variant.